The following is an entry in ClinVar:

NM_201384.3(PLEC):c.3034G>A (p.Asp1012Asn)

Gene: PLEC (plectin; minus strand). Cytogenetic location: 8q24.3.
Variant type: single nucleotide variant.
Coding change: c.3034G>A on transcript NM_201384.3 (MANE Select); coding-DNA position 3034, G replaced by A.
Protein change: p.Asp1012Asn; replaces aspartic acid 1012 with asparagine.
Molecular consequence: missense variant.
Genome position (GRCh38, 1-based): chr8:143,929,461, C>T on the plus strand (G>A on the coding strand, the complement: PLEC is on the minus strand). VCF-style: chr8-143929461-C-T. GRCh37 (hg19) VCF-style: chr8-145003629-C-T.
Other names: c.3115G>A, p.Asp1039Asn (NM_000445.5); c.2992G>A, p.Asp998Asn (NM_201378.4); c.2968G>A, p.Asp990Asn (NM_201379.3); c.3445G>A, p.Asp1149Asn (NM_201380.4); c.2938G>A, p.Asp980Asn (NM_201381.3); c.3034G>A, p.Asp1012Asn (NM_201382.4); c.3046G>A, p.Asp1016Asn (NM_201383.3); short protein forms D990N, D1012N, D1039N, D1149N, D998N, D1016N, D980N.
Identifiers: ClinVar variation 962551 (VCV000962551.9), dbSNP rs1354214746, ClinGen allele CA372569694.

ClinVar aggregate classification (germline): Uncertain significance. Review status: criteria provided, multiple submitters, no conflicts (2 of 4 stars). 2 submissions from 2 submitters: Uncertain significance (2). Last evaluated 2025-08-04.

Conditions:
Epidermolysis bullosa simplex 5B, with muscular dystrophy (EBS5B). Also called: Epidermolysis bullosa simplex with muscular dystrophy; EPIDERMOLYSIS BULLOSA SIMPLEX AND LIMB-GIRDLE MUSCULAR DYSTROPHY. Identifiers: Orphanet 257, MedGen C2931072, MONDO:0009181, OMIM 226670.
Epidermolysis bullosa simplex, Ogna type (EBS5A). Also called: Pidermolysis bullosa simplex 5A, Ogna type; EPIDERMOLYSIS BULLOSA SIMPLEX 5A, OGNA TYPE. Identifiers: Orphanet 79401, MedGen C0432317, MONDO:0007555, OMIM 131950.
Autosomal recessive limb-girdle muscular dystrophy type 2Q (LGMDR17). Also called: MUSCULAR DYSTROPHY, LIMB-GIRDLE, AUTOSOMAL RECESSIVE 17. Identifiers: Orphanet 254361, MedGen C3150989, MONDO:0013390, OMIM 613723.
Epidermolysis bullosa simplex with nail dystrophy (EBS5D). Identifiers: MedGen C4225309, MONDO:0014661, OMIM 616487.
Epidermolysis bullosa simplex 5C, with pyloric atresia (EBS5C). Also called: Epidermolysis bullosa simplex with pyloric atresia; PLEC-Related Epidermolysis Bullosa with Pyloric Atresia; PLEC1-Related Epidermolysis Bullosa with Pyloric Atresia. Identifiers: Orphanet 158684, MedGen C2677349, MONDO:0012807, OMIM 612138.

Allele frequency attached by ClinVar (database versions not stated): gnomAD 0.00001; TOPMed 0.00002.
gnomAD v4.1: 7 of 1,595,096 alleles (0.00044%); highest among the groups gnomAD compares: South Asian, 0.0022%; no homozygotes.

Submissions (2):

Labcorp Genetics (formerly Invitae), Labcorp
Classification: Uncertain significance for Autosomal recessive limb-girdle muscular dystrophy type 2Q; Epidermolysis bullosa simplex, Ogna type; Epidermolysis bullosa simplex with nail dystrophy; Epidermolysis bullosa simplex 5C, with pyloric atresia; Epidermolysis bullosa simplex 5B, with muscular dystrophy. Last evaluated: 2025-08-04. Review status: criteria provided, single submitter. Criteria: Invitae Variant Classification Sherloc (09022015). Collection method: clinical testing. Allele origin: germline.
Comment: This sequence change replaces aspartic acid, which is acidic and polar, with asparagine, which is neutral and polar, at codon 1039 of the PLEC protein (p.Asp1039Asn). This variant is not present in population databases (gnomAD no frequency). This variant has not been reported in the literature in individuals affected with PLEC-related conditions. ClinVar contains an entry for this variant (Variation ID: 962551). Invitae Evidence Modeling of protein sequence and biophysical properties (such as structural, functional, and spatial information, amino acid conservation, physicochemical variation, residue mobility, and thermodynamic stability) indicates that this missense variant is not expected to disrupt PLEC protein function with a negative predictive value of 80%. In summary, the available evidence is currently insufficient to determine the role of this variant in disease. Therefore, it has been classified as a Variant of Uncertain Significance.

Revvity Omics, Revvity
Classification: Uncertain significance. Last evaluated: 2019-11-10. Review status: criteria provided, single submitter. Criteria: ACMG Guidelines, 2015. Collection method: clinical testing. Allele origin: germline.